The following is an entry in ClinVar:

ClinVar aggregate classification (germline): Uncertain significance (1 of 4 stars; one submission).

Conditions:
Dilated cardiomyopathy 2B. Identifiers: Orphanet 154, MedGen C3553409, MONDO:0013848, OMIM 614672.

gnomAD v4.1: 3 of 1,591,896 alleles (0.00019%); highest among the groups gnomAD compares: Non-Finnish European, 0.00026%; no homozygotes.

Submission:

Labcorp Genetics (formerly Invitae), Labcorp
Classification: Uncertain significance for Dilated cardiomyopathy 2B. Last evaluated: 2022-12-24. Review status: criteria provided, single submitter. Criteria: Invitae Variant Classification Sherloc (09022015). Collection method: clinical testing. Allele origin: germline.
Comment: This sequence change replaces alanine, which is neutral and non-polar, with proline, which is neutral and non-polar, at codon 202 of the GATAD1 protein (p.Ala202Pro). In summary, the available evidence is currently insufficient to determine the role of this variant in disease. Therefore, it has been classified as a Variant of Uncertain Significance. Advanced modeling of protein sequence and biophysical properties (such as structural, functional, and spatial information, amino acid conservation, physicochemical variation, residue mobility, and thermodynamic stability) performed at Invitae indicates that this missense variant is not expected to disrupt GATAD1 protein function. This variant has not been reported in the literature in individuals affected with GATAD1-related conditions. This variant is not present in population databases (gnomAD no frequency).

NM_021167.5(GATAD1):c.604G>C (p.Ala202Pro)

Gene: GATAD1 (GATA zinc finger domain containing 1; plus strand). Cytogenetic location: 7q21.2.
Variant type: single nucleotide variant.
Coding change: c.604G>C on transcript NM_021167.5 (MANE Select); coding-DNA position 604, G replaced by C.
Protein change: p.Ala202Pro; replaces alanine 202 with proline.
Molecular consequence: missense variant. On other transcripts: non-coding transcript variant (1).
Genome position (GRCh38, 1-based): chr7:92,454,670, G>C. VCF-style: chr7-92454670-G-C. GRCh37 (hg19) VCF-style: chr7-92083984-G-C.
Other names: short protein forms A202P.
Identifiers: ClinVar variation 2823732 (VCV002823732.3), dbSNP rs564747350, ClinGen allele CA368161266.